The following is an entry in ClinVar:

ClinVar aggregate classification (germline): Uncertain significance (1 of 4 stars; one submission).

Conditions:
Cardiovascular phenotype. Identifiers: MedGen CN230736.
Hereditary cancer-predisposing syndrome. Also called: Tumor predisposition; Neoplastic Syndromes, Hereditary; Hereditary neoplastic syndrome; Hereditary Cancer Syndrome. Identifiers: Orphanet 140162, MedGen C0027672, MeSH D009386, MONDO:0015356.

Submission:

Ambry Genetics
Classification: Uncertain significance for Cardiovascular phenotype; Hereditary cancer-predisposing syndrome. Last evaluated: 2025-09-06. Review status: criteria provided, single submitter. Criteria: Ambry Variant Classification Scheme 2023. Collection method: clinical testing. Allele origin: germline.
Comment: The p.Q558H variant (also known as c.1674G>T), located in coding exon 15 of the LZTR1 gene, results from a G to T substitution at nucleotide position 1674. The glutamine at codon 558 is replaced by histidine, an amino acid with highly similar properties. This amino acid position is not well conserved in available vertebrate species. In addition, this alteration is predicted to be tolerated by in silico analysis. Based on the available evidence, the clinical significance of this variant remains unclear.

NM_006767.4(LZTR1):c.1674G>T (p.Gln558His)

Gene: LZTR1 (leucine zipper like post translational regulator 1; plus strand). Cytogenetic location: 22q11.21.
Variant type: single nucleotide variant.
Coding change: c.1674G>T on transcript NM_006767.4 (MANE Select); coding-DNA position 1674, G replaced by T.
Protein change: p.Gln558His; replaces glutamine 558 with histidine.
Molecular consequence: missense variant.
Genome position (GRCh38, 1-based): chr22:20,994,616, G>T. VCF-style: chr22-20994616-G-T. GRCh37 (hg19) VCF-style: chr22-21348905-G-T.
Other names: short protein forms Q558H.
Identifiers: ClinVar variation 4101929 (VCV004101929.1).